The following is an entry in ClinVar:

NM_003441.4(ZNF141):c.1179A>G (p.Lys393=)

Gene: ZNF141 (zinc finger protein 141; plus strand). Cytogenetic location: 4p16.3.
Variant type: single nucleotide variant.
Coding change: c.1179A>G on transcript NM_003441.4 (MANE Select); coding-DNA position 1179, A replaced by G.
Protein change: p.Lys393=; no amino-acid change (lysine 393 retained).
Molecular consequence: synonymous variant. On other transcripts: intron variant (1).
Genome position (GRCh38, 1-based): chr4:373,616, A>G. VCF-style: chr4-373616-A-G. GRCh37 (hg19) VCF-style: chr4-367405-A-G.
Other names: c.951A>G, p.Lys317= (NM_001348277.2); c.570+609A>G (NM_001348278.2).
Identifiers: ClinVar variation 714237 (VCV000714237.8), dbSNP rs79298288, ClinGen allele CA2791847.

ClinVar aggregate classification (germline): Benign/Likely benign. Review status: criteria provided, multiple submitters, no conflicts (2 of 4 stars). 4 submissions from 4 submitters: Benign (2); Likely benign (1). 1 of the submissions does not count toward it. Last evaluated 2024-11-01.

Conditions:
ZNF141-related disorder. Also called: ZNF141-related condition.

Allele frequency attached by ClinVar (database versions not stated): gnomAD exomes 0.00047 and 0.00134; ExAC 0.00177; gnomAD 0.00548 and 0.00590; TOPMed 0.00583; ESP Exome Variant Server 0.00654; 1000 Genomes Project 0.00699; 1000 Genomes Project 30x 0.00796.
gnomAD v4.1: 1,546 of 1,614,100 alleles (0.096%); highest among the groups gnomAD compares: African/African-American, 1.9%; 20 homozygotes.

Submissions (4):

Blueprint Genetics
Classification: Likely benign. Last evaluated: 2024-11-01. Review status: criteria provided, single submitter. Criteria: ACMG Guidelines, 2015. Collection method: clinical testing. Allele origin: germline.

Labcorp Genetics (formerly Invitae), Labcorp
Classification: Benign. Last evaluated: 2019-12-31. Review status: criteria provided, single submitter. Criteria: Invitae Variant Classification Sherloc (09022015). Collection method: clinical testing. Allele origin: germline.

Breakthrough Genomics
Classification: Benign. Review status: criteria provided, single submitter. Criteria: ACMG Guidelines, 2015. Collection method: not provided. Allele origin: germline. Inheritance: Autosomal recessive inheritance. Affected: yes.

PreventionGenetics, part of Exact Sciences
Classification: Benign for ZNF141-related condition. Last evaluated: 2019-10-31. Review status: no assertion criteria provided. Collection method: clinical testing. Allele origin: germline. Not counted in ClinVar's aggregate classification.
Comment: This variant is classified as benign based on ACMG/AMP sequence variant interpretation guidelines (Richards et al. 2015 PMID: 25741868, with internal and published modifications).